The following is an entry in ClinVar:

ClinVar aggregate classification (germline): Pathogenic. Review status: criteria provided, multiple submitters, no conflicts (2 of 4 stars). 2 submissions from 2 submitters: Pathogenic (2). Last evaluated 2024-09-03.

Conditions:
Neurofibromatosis, type 1 (NF1). Also called: Neurofibromatosis, type I; VON RECKLINGHAUSEN DISEASE; NEUROFIBROMATOSIS, TYPE I, SOMATIC; Peripheral type neurofibromatosis. Identifiers: Orphanet 636, MedGen C0027831, MONDO:0018975, OMIM 162200. Disease mechanism: loss of function.

Submissions (2):

Labcorp Genetics (formerly Invitae), Labcorp
Classification: Pathogenic for Neurofibromatosis, type 1. Last evaluated: 2024-09-03. Review status: criteria provided, single submitter. Criteria: Invitae Variant Classification Sherloc (09022015). Collection method: clinical testing. Allele origin: germline.
Comment: This sequence change affects an acceptor splice site in intron 11 of the NF1 gene. It is expected to disrupt RNA splicing. Variants that disrupt the donor or acceptor splice site typically lead to a loss of protein function (PMID: 16199547), and loss-of-function variants in NF1 are known to be pathogenic (PMID: 10712197, 23913538). This variant is not present in population databases (gnomAD no frequency). Disruption of this splice site has been observed in individual(s) with neurofibromatosis type 1 (PMID: 18041031, 24232412, 30530636). ClinVar contains an entry for this variant (Variation ID: 1454366). Algorithms developed to predict the effect of sequence changes on RNA splicing suggest that this variant may disrupt the consensus splice site. For these reasons, this variant has been classified as Pathogenic.

GeneDx
Classification: Pathogenic. Last evaluated: 2024-07-15. Review status: criteria provided, single submitter. Criteria: GeneDx Variant Classification Process June 2021. Collection method: clinical testing. Allele origin: germline.
Comment: Canonical splice site variant predicted to result in an in-frame loss of the adjacent exon in a gene for which loss of function is a known mechanism of disease; Deletions involving coding exons of this gene are a known mechanism of disease (HGMD); Not observed at significant frequency in large population cohorts (gnomAD); This variant is associated with the following publications: (PMID: 25525159, 18041031, 30530636, 24232412)

Literature cited by the submitters: PubMed 16199547 (cited by Labcorp Genetics (formerly Invitae), Labcorp); PubMed 10712197 (cited by Labcorp Genetics (formerly Invitae), Labcorp); PubMed 23913538 (cited by Labcorp Genetics (formerly Invitae), Labcorp); PubMed 18041031 (cited by Labcorp Genetics (formerly Invitae), Labcorp); PubMed 24232412 (cited by Labcorp Genetics (formerly Invitae), Labcorp); PubMed 30530636 (cited by Labcorp Genetics (formerly Invitae), Labcorp).

NM_001042492.3(NF1):c.1261-1G>T

Gene: NF1 (neurofibromin 1; plus strand). Cytogenetic location: 17q11.2.
Variant type: single nucleotide variant.
Coding change: c.1261-1G>T on transcript NM_001042492.3 (MANE Select); the canonical splice acceptor site of the intron before coding-DNA position 1261, G replaced by T.
Molecular consequence: splice acceptor variant.
Genome position (GRCh38, 1-based): chr17:31,206,239, G>T. VCF-style: chr17-31206239-G-T. GRCh37 (hg19) VCF-style: chr17-29533257-G-T.
Other names: c.1261-1G>T (NM_000267.4, NM_001128147.3).
Identifiers: ClinVar variation 1454366 (VCV001454366.10), dbSNP rs2066618707, ClinGen allele CA398999047.